The following is an entry in ClinVar:

ClinVar aggregate classification (germline): Uncertain significance (1 of 4 stars; one submission).

Conditions:
Hereditary sensory neuropathy-deafness-dementia syndrome. Also called: Hereditary Sensory and Autonomic Neuropathy Type 1E (HSAN1E); HSN IE; Hereditary sensory neuropathy type IE; NEUROPATHY, HEREDITARY SENSORY, WITH HEARING LOSS AND DEMENTIA. Identifiers: Orphanet 456318, MedGen C3279885, MONDO:0013584, OMIM 614116.

Submission:

Labcorp Genetics (formerly Invitae), Labcorp
Classification: Uncertain significance for Hereditary sensory neuropathy-deafness-dementia syndrome. Last evaluated: 2023-03-27. Review status: criteria provided, single submitter. Criteria: Invitae Variant Classification Sherloc (09022015). Collection method: clinical testing. Allele origin: germline.
Comment: In summary, the available evidence is currently insufficient to determine the role of this variant in disease. Therefore, it has been classified as a Variant of Uncertain Significance. Variants that disrupt the consensus splice site are a relatively common cause of aberrant splicing (PMID: 17576681, 9536098). Algorithms developed to predict the effect of sequence changes on RNA splicing suggest that this variant is not likely to affect RNA splicing. This variant has not been reported in the literature in individuals affected with DNMT1-related conditions. This variant is not present in population databases (gnomAD no frequency). This sequence change falls in intron 23 of the DNMT1 gene. It does not directly change the encoded amino acid sequence of the DNMT1 protein. It affects a nucleotide within the consensus splice site.

Literature cited by the submitters: PubMed 17576681; PubMed 9536098.

NM_001130823.3(DNMT1):c.2117+4G>C

Gene: DNMT1 (DNA methyltransferase 1; minus strand). Cytogenetic location: 19p13.2.
Variant type: single nucleotide variant.
Coding change: c.2117+4G>C on transcript NM_001130823.3 (MANE Select); 4 bases into the intron after coding-DNA position 2117, G replaced by C.
Molecular consequence: intron variant.
Genome position (GRCh38, 1-based): chr19:10,151,746, C>G on the plus strand (G>C on the coding strand, the complement: DNMT1 is on the minus strand). VCF-style: chr19-10151746-C-G. GRCh37 (hg19) VCF-style: chr19-10262422-C-G.
Other names: c.1754+4G>C (NM_001318731.2); c.2069+4G>C (NM_001379.4, NM_001318730.2).
Identifiers: ClinVar variation 3022721 (VCV003022721.3), dbSNP rs2038347468, ClinGen allele CA2740091862.